The following is an entry in ClinVar:

NM_022173.4(TIA1):c.356C>A (p.Thr119Asn)

Gene: TIA1 (TIA1 cytotoxic granule associated RNA binding protein; minus strand). Cytogenetic location: 2p13.3.
Variant type: single nucleotide variant.
Coding change: c.356C>A on transcript NM_022173.4 (MANE Select); coding-DNA position 356, C replaced by A.
Protein change: p.Thr119Asn; replaces threonine 119 with asparagine.
Molecular consequence: missense variant. On other transcripts: 5 prime UTR variant (3), non-coding transcript variant (17).
Genome position (GRCh38, 1-based): chr2:70,227,777, G>T on the plus strand (C>A on the coding strand, the complement: TIA1 is on the minus strand). VCF-style: chr2-70227777-G-T. GRCh37 (hg19) VCF-style: chr2-70454909-G-T.
Other names: c.356C>A, p.Thr119Asn (NM_001351508.2, NM_001351516.2, NM_001351518.2 and 2 more transcripts); c.329C>A, p.Thr110Asn (NM_001351509.2); c.323C>A, p.Thr108Asn (NM_001351510.2, NM_001351521.2, NM_022037.4); c.245C>A, p.Thr82Asn (NM_001351511.1); c.218C>A, p.Thr73Asn (NM_001351512.1); c.212C>A, p.Thr71Asn (NM_001351513.1); c.128C>A, p.Thr43Asn (NM_001351514.2, NM_001351523.2); c.53C>A, p.Thr18Asn (NM_001351515.2); and 4 more; short protein forms L161M, T108N, T110N, T119N, T18N, T43N, T71N, T73N.
Identifiers: ClinVar variation 2437085 (VCV002437085.5), dbSNP rs369169848, ClinGen allele CA1697620.

ClinVar aggregate classification (germline): Uncertain significance. Review status: criteria provided, multiple submitters, no conflicts (2 of 4 stars). 3 submissions from 3 submitters: Uncertain significance (3). Last evaluated 2025-02-28.

Conditions:
Welander distal myopathy (WDM). Also called: Gower's muscular dystrophy; Welander distal myopathy, Swedish type; Distal myopathy, Swedish type; MUSCULAR DYSTROPHY, DISTAL, LATE-ONSET, AUTOSOMAL DOMINANT. Identifiers: Orphanet 603, MedGen C0221054, MONDO:0011466, OMIM 604454.

Allele frequency attached by ClinVar (database versions not stated): ExAC 0.00001; gnomAD 0.00001; TOPMed 0.00002; ESP Exome Variant Server 0.00008.
gnomAD v4.1: 23 of 1,596,028 alleles (0.0014%); highest among the groups gnomAD compares: Non-Finnish European, 0.0019%; no homozygotes.

Submissions (3):

Labcorp Genetics (formerly Invitae), Labcorp
Classification: Uncertain significance for Welander distal myopathy. Last evaluated: 2025-02-28. Review status: criteria provided, single submitter. Criteria: Invitae Variant Classification Sherloc (09022015). Collection method: clinical testing. Allele origin: germline.
Comment: This sequence change replaces threonine, which is neutral and polar, with asparagine, which is neutral and polar, at codon 119 of the TIA1 protein (p.Thr119Asn). This variant is present in population databases (rs369169848, gnomAD 0.002%). This variant has not been reported in the literature in individuals affected with TIA1-related conditions. ClinVar contains an entry for this variant (Variation ID: 2437085). Invitae Evidence Modeling of protein sequence and biophysical properties (such as structural, functional, and spatial information, amino acid conservation, physicochemical variation, residue mobility, and thermodynamic stability) indicates that this missense variant is not expected to disrupt TIA1 protein function with a negative predictive value of 80%. In summary, the available evidence is currently insufficient to determine the role of this variant in disease. Therefore, it has been classified as a Variant of Uncertain Significance.

GeneDx
Classification: Uncertain significance. Last evaluated: 2025-02-05. Review status: criteria provided, single submitter. Criteria: GeneDx Variant Classification Process June 2021. Collection method: clinical testing. Allele origin: germline. Affected: yes.
Comment: Not observed at significant frequency in large population cohorts (gnomAD); In silico analysis supports that this missense variant has a deleterious effect on protein structure/function; Has not been previously published as pathogenic or benign to our knowledge

Revvity Omics, Revvity
Classification: Uncertain significance. Last evaluated: 2020-10-16. Review status: criteria provided, single submitter. Criteria: ACMG Guidelines, 2015. Collection method: clinical testing. Allele origin: germline.